The following is an entry in ClinVar:

ClinVar aggregate classification (germline): Uncertain significance (1 of 4 stars; one submission).

Conditions:
Myopathy, proximal, and ophthalmoplegia (CMYO6). Also called: MYOPATHY WITH CONGENITAL JOINT CONTRACTURES, OPHTHALMOPLEGIA, AND RIMMED VACUOLES; INCLUSION BODY MYOPATHY 3, AUTOSOMAL DOMINANT; CONGENITAL MYOPATHY 6 WITH OPHTHALMOPLEGIA. Identifiers: Orphanet 363677, Orphanet 79091, MedGen C1854106, MONDO:0011577, OMIM 605637.

Submission:

Labcorp Genetics (formerly Invitae), Labcorp
Classification: Uncertain significance for Myopathy, proximal, and ophthalmoplegia. Last evaluated: 2021-04-04. Review status: criteria provided, single submitter. Criteria: Invitae Variant Classification Sherloc (09022015). Collection method: clinical testing. Allele origin: germline.
Comment: In summary, the available evidence is currently insufficient to determine the role of this variant in disease. Therefore, it has been classified as a Variant of Uncertain Significance. Algorithms developed to predict the effect of missense changes on protein structure and function are either unavailable or do not agree on the potential impact of this missense change (SIFT: "Deleterious"; PolyPhen-2: "Probably Damaging"; Align-GVGD: "Class C15"). This variant has not been reported in the literature in individuals with MYH2-related conditions. This variant is not present in population databases (ExAC no frequency). This sequence change replaces leucine with phenylalanine at codon 1628 of the MYH2 protein (p.Leu1628Phe). The leucine residue is highly conserved and there is a small physicochemical difference between leucine and phenylalanine.

NM_017534.6(MYH2):c.4882C>T (p.Leu1628Phe)

Genes: MYH2 (myosin heavy chain 2; minus strand), MYHAS (myosin heavy chain gene cluster antisense RNA; plus strand), LOC126862500 (BRD4-independent group 4 enhancer GRCh37_chr17:10427829-10429028; plus strand). Cytogenetic location: 17p13.1.
Variant type: single nucleotide variant.
Coding change: c.4882C>T on transcript NM_017534.6 (MANE Select); coding-DNA position 4882, C replaced by T.
Protein change: p.Leu1628Phe; replaces leucine 1628 with phenylalanine.
Molecular consequence: missense variant.
Genome position (GRCh38, 1-based): chr17:10,524,846, G>A on the plus strand (C>T on the coding strand, the complement: MYH2 is on the minus strand). VCF-style: chr17-10524846-G-A. GRCh37 (hg19) VCF-style: chr17-10428163-G-A.
Other names: c.4882C>T, p.Leu1628Phe (NM_001100112.2); short protein forms L1628F.
Identifiers: ClinVar variation 1384775 (VCV001384775.8), dbSNP rs2142292545, ClinGen allele CA398121128.